The following is an entry in ClinVar:

NM_020461.4(TUBGCP6):c.938C>T (p.Thr313Met)

Gene: TUBGCP6 (tubulin gamma complex component 6; minus strand). Cytogenetic location: 22q13.33.
Variant type: single nucleotide variant.
Coding change: c.938C>T on transcript NM_020461.4 (MANE Select); coding-DNA position 938, C replaced by T.
Protein change: p.Thr313Met; replaces threonine 313 with methionine.
Molecular consequence: missense variant.
Genome position (GRCh38, 1-based): chr22:50,233,494, G>A on the plus strand (C>T on the coding strand, the complement: TUBGCP6 is on the minus strand). VCF-style: chr22-50233494-G-A. GRCh37 (hg19) VCF-style: chr22-50671923-G-A.
Other names: c.938C>T (NM_020461.3); short protein forms T313M.
Identifiers: ClinVar variation 1346110 (VCV001346110.4), dbSNP rs140034721, ClinGen allele CA10308882.

ClinVar aggregate classification (germline): Uncertain significance. Review status: criteria provided, multiple submitters, no conflicts (2 of 4 stars). 2 submissions from 2 submitters: Uncertain significance (2). Last evaluated 2024-06-26.

Conditions:
Inborn genetic diseases. Identifiers: MedGen C0950123, MeSH D030342.

Allele frequency attached by ClinVar (database versions not stated): gnomAD exomes 0.00003 and 0.00004; ExAC 0.00005; gnomAD 0.00005 and 0.00007; TOPMed 0.00005; ESP Exome Variant Server 0.00008; 1000 Genomes Project 0.00060; 1000 Genomes Project 30x 0.00062.
gnomAD v4.1: 53 of 1,609,534 alleles (0.0033%); highest among the groups gnomAD compares: African/African-American, 0.016%; no homozygotes.

Submissions (2):

Ambry Genetics
Classification: Uncertain significance for Inborn genetic diseases. Last evaluated: 2024-06-26. Review status: criteria provided, single submitter. Criteria: Ambry Variant Classification Scheme 2023. Collection method: clinical testing. Allele origin: germline.

Labcorp Genetics (formerly Invitae), Labcorp
Classification: Uncertain significance. Last evaluated: 2021-10-12. Review status: criteria provided, single submitter. Criteria: Invitae Variant Classification Sherloc (09022015). Collection method: clinical testing. Allele origin: germline.
Comment: This sequence change replaces threonine with methionine at codon 313 of the TUBGCP6 protein (p.Thr313Met). The threonine residue is moderately conserved and there is a moderate physicochemical difference between threonine and methionine. This variant is present in population databases (rs140034721, ExAC 0.06%). This variant has not been reported in the literature in individuals affected with TUBGCP6-related conditions. Algorithms developed to predict the effect of missense changes on protein structure and function are either unavailable or do not agree on the potential impact of this missense change (SIFT: "Deleterious"; PolyPhen-2: "Probably Damaging"; Align-GVGD: "Class C0"). In summary, the available evidence is currently insufficient to determine the role of this variant in disease. Therefore, it has been classified as a Variant of Uncertain Significance.